The following is an entry in ClinVar:

NM_006904.7(PRKDC):c.6847A>C (p.Asn2283His)

Gene: PRKDC (protein kinase, DNA-activated, catalytic subunit; minus strand). Cytogenetic location: 8q11.21.
Variant type: single nucleotide variant.
Coding change: c.6847A>C on transcript NM_006904.7 (MANE Select); coding-DNA position 6847, A replaced by C.
Protein change: p.Asn2283His; replaces asparagine 2283 with histidine.
Molecular consequence: missense variant.
Genome position (GRCh38, 1-based): chr8:47,854,129, T>G on the plus strand (A>C on the coding strand, the complement: PRKDC is on the minus strand). VCF-style: chr8-47854129-T-G. GRCh37 (hg19) VCF-style: chr8-48766690-T-G.
Other names: c.6847A>C, p.Asn2283His (NM_001081640.2); short protein forms N2283H.
Identifiers: ClinVar variation 3225898 (VCV003225898.1), dbSNP rs2551869256, ClinGen allele CA371158455.

ClinVar aggregate classification (germline): Uncertain significance (1 of 4 stars; one submission).

Submission:

Ambry Genetics
Classification: Uncertain significance. Last evaluated: 2023-12-14. Review status: criteria provided, single submitter. Criteria: Ambry Variant Classification Scheme 2023. Collection method: clinical testing. Allele origin: germline.
Comment: The p.N2283H variant (also known as c.6847A>C), located in coding exon 51 of the PRKDC gene, results from an A to C substitution at nucleotide position 6847. The asparagine at codon 2283 is replaced by histidine, an amino acid with similar properties. This amino acid position is conserved. In addition, the in silico prediction for this alteration is inconclusive. Since supporting evidence is limited at this time, the clinical significance of this alteration remains unclear.